The following is an entry in ClinVar:

ClinVar aggregate classification (germline): Uncertain significance (1 of 4 stars; one submission).

Conditions:
Cerebral cavernous malformation 2. Also called: Familial Cerebral Cavernous Malformation 2. Identifiers: Orphanet 221061, MedGen C1864041, MONDO:0011304, OMIM 603284.

Allele frequency attached by ClinVar (database versions not stated): gnomAD exomes 0.00001.
gnomAD v4.1: 7 of 1,613,606 alleles (0.00043%); highest among the groups gnomAD compares: African/African-American, 0.0013%; no homozygotes.

Submission:

Labcorp Genetics (formerly Invitae), Labcorp
Classification: Uncertain significance for Cerebral cavernous malformation 2. Last evaluated: 2021-12-02. Review status: criteria provided, single submitter. Criteria: Invitae Variant Classification Sherloc (09022015). Collection method: clinical testing. Allele origin: germline.
Comment: This sequence change replaces threonine, which is neutral and polar, with isoleucine, which is neutral and non-polar, at codon 106 of the CCM2 protein (p.Thr106Ile). This variant is not present in population databases (gnomAD no frequency). This variant has not been reported in the literature in individuals affected with CCM2-related conditions. Algorithms developed to predict the effect of missense changes on protein structure and function are either unavailable or do not agree on the potential impact of this missense change (SIFT: "Deleterious"; PolyPhen-2: "Possibly Damaging"; Align-GVGD: "Class C15"). In summary, the available evidence is currently insufficient to determine the role of this variant in disease. Therefore, it has been classified as a Variant of Uncertain Significance.

NM_031443.4(CCM2):c.317C>T (p.Thr106Ile)

Gene: CCM2 (CCM2 scaffold protein; plus strand). Cytogenetic location: 7p13.
Variant type: single nucleotide variant.
Coding change: c.317C>T on transcript NM_031443.4 (MANE Select); coding-DNA position 317, C replaced by T.
Protein change: p.Thr106Ile; replaces threonine 106 with isoleucine.
Molecular consequence: missense variant. On other transcripts: non-coding transcript variant (1).
Genome position (GRCh38, 1-based): chr7:45,064,491, C>T. VCF-style: chr7-45064491-C-T. GRCh37 (hg19) VCF-style: chr7-45104090-C-T.
Other names: c.380C>T, p.Thr127Ile (NM_001029835.2); c.143C>T, p.Thr48Ile (NM_001167934.2, NM_001363459.2); c.317C>T, p.Thr106Ile (NM_001167935.2, NM_001363458.2); short protein forms T106I, T127I, T48I.
Identifiers: ClinVar variation 1357239 (VCV001357239.8), dbSNP rs1798672293, ClinGen allele CA367429858.
Genomic context (GRCh38, chr7:45,064,491, plus strand): 5'-CTGTATTTCTGATGCCCTGTGGTTCCTTCCAGAGAGCCCACCAGCTTCCGGGACACTTGA[C>T]TCAGGAGCACGATGCTGTGCTCAGCCTGTCTGCGTACAACGTCAAGCTGGCCTGGAGGGA-3'
Protein context (NP_113631.1, residues 96-116): KRAHQLPGHL[Thr106Ile]QEHDAVLSLS